The following is an entry in ClinVar:

NM_024426.6(WT1):c.845G>T (p.Cys282Phe)

Gene: WT1 (WT1 transcription factor; minus strand). Cytogenetic location: 11p13.
Variant type: single nucleotide variant.
Coding change: c.845G>T on transcript NM_024426.6 (MANE Select); coding-DNA position 845, G replaced by T.
Protein change: p.Cys282Phe; replaces cysteine 282 with phenylalanine.
Molecular consequence: missense variant. On other transcripts: non-coding transcript variant (1).
Genome position (GRCh38, 1-based): chr11:32,427,998, C>A on the plus strand (G>T on the coding strand, the complement: WT1 is on the minus strand). VCF-style: chr11-32427998-C-A. GRCh37 (hg19) VCF-style: chr11-32449544-C-A.
Other names: c.830G>T (NM_024426.4); c.845G>T, p.Cys282Phe (NM_000378.6, NM_001407044.1, NM_001407045.1 and 4 more transcripts); c.194G>T, p.Cys65Phe (NM_001198551.2, NM_001198552.2); c.722G>T, p.Cys241Phe (NM_001407047.1, NM_001407050.1); c.83G>T, p.Cys28Phe (NM_001407051.1); c.830G>T, p.Cys277Phe (NM_024425.2); short protein forms C277F, C28F, C282F, C65F, C241F.
Identifiers: ClinVar variation 2083792 (VCV002083792.5), dbSNP rs2133072417, ClinGen allele CA379962948.

ClinVar aggregate classification (germline): Uncertain significance. Review status: criteria provided, multiple submitters, no conflicts (2 of 4 stars). 2 submissions from 2 submitters: Uncertain significance (2). Last evaluated 2025-12-26.

Conditions:
Wilms tumor 1 (WT1). Also called: Wilms tumor, somatic. Identifiers: Orphanet 654, MedGen CN033288, MONDO:0008679, OMIM 194070.
Drash syndrome (DDS). Also called: WILMS TUMOR AND PSEUDO- OR TRUE HERMAPHRODITISM; NEPHROPATHY, WILMS TUMOR, AND GENITAL ANOMALIES. Identifiers: Orphanet 220, MedGen C0950121, MONDO:0008682, OMIM 194080.
11p partial monosomy syndrome (WAGR). Also called: WAGR syndrome; CHROMOSOME 11p13 DELETION SYNDROME; WAGR Complex; WAGR Spectrum Disorder. Identifiers: Orphanet 893, MedGen C0206115, MONDO:0008681, OMIM 194072.
Frasier syndrome. Identifiers: Orphanet 347, MedGen C0950122, MeSH D052159, MONDO:0007635, OMIM 136680.
Inborn genetic diseases. Identifiers: MedGen C0950123, MeSH D030342.

Allele frequency attached by ClinVar (database versions not stated): gnomAD exomes below 0.00001.
gnomAD v4.1: 1 of 1,611,832 alleles (0.000062%); highest among the groups gnomAD compares: Non-Finnish European, 0.000085%; no homozygotes.

Submissions (2):

Ambry Genetics
Classification: Uncertain significance for Inborn genetic diseases. Last evaluated: 2025-12-26. Review status: criteria provided, single submitter. Criteria: Ambry Variant Classification Scheme 2023. Collection method: clinical testing. Allele origin: germline.
Comment: The p.C277F variant (also known as c.830G>T), located in coding exon 3 of the WT1 gene, results from a G to T substitution at nucleotide position 830. The cysteine at codon 277 is replaced by phenylalanine, an amino acid with highly dissimilar properties. This amino acid position is highly conserved in available vertebrate species. In addition, this alteration is predicted to be deleterious by in silico analysis. Based on the available evidence, the clinical significance of this variant remains unclear.

Labcorp Genetics (formerly Invitae), Labcorp
Classification: Uncertain significance for Wilms tumor 1; Drash syndrome; 11p partial monosomy syndrome; Frasier syndrome. Last evaluated: 2022-02-17. Review status: criteria provided, single submitter. Criteria: Invitae Variant Classification Sherloc (09022015). Collection method: clinical testing. Allele origin: germline.
Comment: This sequence change replaces cysteine, which is neutral and slightly polar, with phenylalanine, which is neutral and non-polar, at codon 277 of the WT1 protein (p.Cys277Phe). This variant is not present in population databases (gnomAD no frequency). This variant has not been reported in the literature in individuals affected with WT1-related conditions. Algorithms developed to predict the effect of missense changes on protein structure and function are either unavailable or do not agree on the potential impact of this missense change (SIFT: "Deleterious"; PolyPhen-2: "Benign"; Align-GVGD: "Class C65"). In summary, the available evidence is currently insufficient to determine the role of this variant in disease. Therefore, it has been classified as a Variant of Uncertain Significance.